The following is an entry in ClinVar:

ClinVar aggregate classification (germline): Uncertain significance (1 of 4 stars; one submission).

Conditions:
Emery-Dreifuss muscular dystrophy (EDMD). Also called: Scapuloperoneal syndrome, X-linked (formerly); Humeroperoneal neuromuscular disease, (formerly). Identifiers: Orphanet 261, MedGen C0410189, MONDO:0016830.

Allele frequency attached by ClinVar (database versions not stated): gnomAD exomes 0.00001; TOPMed 0.00001; ExAC 0.00002; gnomAD 0.00001.

Submission:

Labcorp Genetics (formerly Invitae), Labcorp
Classification: Uncertain significance for Emery-Dreifuss muscular dystrophy. Last evaluated: 2025-02-10. Review status: criteria provided, single submitter. Criteria: Invitae Variant Classification Sherloc (09022015). Collection method: clinical testing. Allele origin: germline.
Comment: This sequence change replaces lysine, which is basic and polar, with glutamic acid, which is acidic and polar, at codon 340 of the SUN1 protein (p.Lys340Glu). This variant is present in population databases (rs770728287, gnomAD 0.002%). This variant has not been reported in the literature in individuals affected with SUN1-related conditions. ClinVar contains an entry for this variant (Variation ID: 956246). An algorithm developed to predict the effect of missense changes on protein structure and function (PolyPhen-2) suggests that this variant is likely to be tolerated. In summary, the available evidence is currently insufficient to determine the role of this variant in disease. Therefore, it has been classified as a Variant of Uncertain Significance.

NM_001130965.3(SUN1):c.1018A>G (p.Lys340Glu)

Gene: SUN1 (Sad1 and UNC84 domain containing 1; plus strand). Cytogenetic location: 7p22.3.
Variant type: single nucleotide variant.
Coding change: c.1018A>G on transcript NM_001130965.3 (MANE Select); coding-DNA position 1018, A replaced by G.
Protein change: p.Lys340Glu; replaces lysine 340 with glutamic acid.
Molecular consequence: missense variant. On other transcripts: non-coding transcript variant (3).
Genome position (GRCh38, 1-based): chr7:852,917, A>G. VCF-style: chr7-852917-A-G. GRCh37 (hg19) VCF-style: chr7-892554-A-G.
Other names: c.709A>G, p.Lys237Glu (NM_001171944.2); c.1018A>G, p.Lys340Glu (NM_001367633.1, NM_001367634.1, NM_001367653.1 and 1 more transcripts); c.667A>G, p.Lys223Glu (NM_001367635.1); c.1258A>G, p.Lys420Glu (NM_001367636.1, NM_001367691.1); c.1126A>G, p.Lys376Glu (NM_001367638.1); c.559A>G, p.Lys187Glu (NM_001367639.1); c.1198A>G, p.Lys400Glu (NM_001367640.1); c.1300A>G, p.Lys434Glu (NM_001367641.1, NM_001367682.1); and 38 more; short protein forms K314E, K318E, K327E, K339E, K340E, K367E, K401E, K406E.
Identifiers: ClinVar variation 956246 (VCV000956246.9), dbSNP rs770728287, ClinGen allele CA4112037.
Genomic context (GRCh38, chr7:852,917, plus strand): 5'-GTGTTGAACTGGGCAAGCATGCATAGAACACAGCGGGTGGATGACCCCCAGGACGTGTTT[A>G]AACCCACGACTTCTCGCCTGAAGCAGCCTCTGCAGGTAAGAGGGTAGAAAGGCCTCTCAG-3'
Protein context (NP_001124437.1, residues 330-350): QRVDDPQDVF[Lys340Glu]PTTSRLKQPL